The following is an entry in ClinVar:

NM_015338.6(ASXL1):c.4042G>A (p.Gly1348Arg)

Gene: ASXL1 (ASXL transcriptional regulator 1; plus strand). Cytogenetic location: 20q11.21.
Variant type: single nucleotide variant.
Coding change: c.4042G>A on transcript NM_015338.6 (MANE Select); coding-DNA position 4042, G replaced by A.
Protein change: p.Gly1348Arg; replaces glycine 1348 with arginine.
Molecular consequence: missense variant.
Genome position (GRCh38, 1-based): chr20:32,436,754, G>A. VCF-style: chr20-32436754-G-A. GRCh37 (hg19) VCF-style: chr20-31024557-G-A.
Other names: c.3859G>A, p.Gly1287Arg (NM_001363734.1); short protein forms G1348R, G1287R.
Identifiers: ClinVar variation 3719394 (VCV003719394.2).

ClinVar aggregate classification (germline): Uncertain significance (1 of 4 stars; one submission).

gnomAD v4.1: 8 of 1,614,046 alleles (0.0005%); highest among the groups gnomAD compares: African/African-American, 0.0027%; no homozygotes.

Submission:

Labcorp Genetics (formerly Invitae), Labcorp
Classification: Uncertain significance. Last evaluated: 2024-02-22. Review status: criteria provided, single submitter. Criteria: Invitae Variant Classification Sherloc (09022015). Collection method: clinical testing. Allele origin: germline.
Comment: This sequence change replaces glycine, which is neutral and non-polar, with arginine, which is basic and polar, at codon 1348 of the ASXL1 protein (p.Gly1348Arg). The frequency data for this variant in the population databases is considered unreliable, as metrics indicate poor data quality at this position in the gnomAD database. This variant has not been reported in the literature in individuals affected with ASXL1-related conditions. An algorithm developed to predict the effect of missense changes on protein structure and function (PolyPhen-2) suggests that this variant is likely to be disruptive. In summary, the available evidence is currently insufficient to determine the role of this variant in disease. Therefore, it has been classified as a Variant of Uncertain Significance.